The following is an entry in ClinVar:

ClinVar aggregate classification (germline): Uncertain significance. Review status: criteria provided, multiple submitters, no conflicts (2 of 4 stars). 5 submissions from 5 submitters: Uncertain significance (5). Last evaluated 2025-07-25.

Conditions:
RYR1-related disorder. Also called: RYR1-related disorders; RYR1-related condition. Identifiers: MedGen CN239331.
Malignant hyperthermia, susceptibility to, 1 (MHS1). Also called: RYR1-Related Malignant Hyperthermia Susceptibility; Anesthesia related hyperthermia; Malignant hyperpyrexia; Fulminating hyperpyrexia; Pharmacogenic myopathy; Malignant hyperthermia suceptibility 1. Identifiers: Orphanet 423, MedGen C2930980, MONDO:0007783, OMIM 145600.
Congenital myopathy with fiber type disproportion. Also called: Congenital fiber-type disproportion; Congenital fiber-type disproportion myopathy. Identifiers: Orphanet 2020, MedGen C0546264, MONDO:0009711. Inheritance: all.
King Denborough syndrome (KDS). Identifiers: MedGen C1840365, MONDO:0020485, OMIM 619542.
Congenital multicore myopathy with external ophthalmoplegia (CMYO1B). Also called: Minicore myopathy with external ophthalmoplegia; MULTIMINICORE DISEASE WITH EXTERNAL OPHTHALMOPLEGIA; MULTICORE MYOPATHY; Congenital myopathy 1B, autosomal recessive; Minicore myopathy. Identifiers: Orphanet 598, Orphanet 98905, MedGen C1850674, MONDO:0009712, OMIM 255320, HP:0003789.
Central core myopathy (CMYO1A). Also called: CONGENITAL MYOPATHY 1A, AUTOSOMAL DOMINANT, WITH SUSCEPTIBILITY TO MALIGNANT HYPERTHERMIA; Central core disease; Myopathy, central fibrillar. Identifiers: Orphanet 597, MedGen C5830701, MONDO:0007294, OMIM 117000.

Allele frequency attached by ClinVar (database versions not stated): gnomAD exomes below 0.00001 and 0.00001; TOPMed below 0.00001; ExAC 0.00001.
gnomAD v4.1: 2 of 1,614,190 alleles (0.00012%); highest among the groups gnomAD compares: Non-Finnish European, 0.000085%; no homozygotes.

Submissions (5):

Color Diagnostics, LLC DBA Color Health
Classification: Uncertain significance for Malignant hyperthermia, susceptibility to, 1. Last evaluated: 2025-07-25. Review status: criteria provided, single submitter. Criteria: ACMG Guidelines, 2015. Collection method: clinical testing. Allele origin: germline.
Comment: This missense variant replaces valine with methionine at codon 4629 of the RYR1 protein. Computational prediction is inconclusive regarding the impact of this variant on protein structure and function. To our knowledge, functional studies have not been reported for this variant. This variant has not been reported in individuals affected with autosomal dominant malignant hyperthermia in the literature, although it has been reported in individuals affected with other phenotypes (PMID: 21911697, 25214167). This variant has been identified in 2/251476 chromosomes in the general population by the Genome Aggregation Database (gnomAD). The available evidence is insufficient to determine the role of this variant in disease conclusively. Therefore, this variant is classified as a Variant of Uncertain Significance.

All of Us Research Program, National Institutes of Health
Classification: Uncertain significance for Malignant hyperthermia, susceptibility to, 1. Last evaluated: 2023-11-28. Review status: criteria provided, single submitter. Criteria: ACMG Guidelines, 2015. Collection method: clinical testing. Allele origin: germline. Inheritance: Autosomal dominant inheritance. Observed: 5 variant alleles, 5 heterozygotes.
Comment: This missense variant replaces valine with methionine at codon 4629 of the RYR1 protein. Computational prediction is inconclusive regarding the impact of this variant on protein structure and function (internally defined REVEL score threshold 0.5 < inconclusive < 0.7, PMID: 27666373). To our knowledge, functional studies have not been reported for this variant. This variant has not been reported in individuals affected with autosomal dominant malignant hyperthermia in the literature, although it has been reported in individuals affected with other phenotypes (PMID: 21911697, 25214167). This variant has been identified in 2/251476 chromosomes in the general population by the Genome Aggregation Database (gnomAD). The available evidence is insufficient to determine the role of this variant in disease conclusively. Therefore, this variant is classified as a Variant of Uncertain Significance.

This study involves interpretation of variants in research participants for the purpose of population health screening. Participant phenotype was not available at the time of variant classification. Additional details can be found in publication PMID: 35346344, PMCID: PMC8962531

Labcorp Genetics (formerly Invitae), Labcorp
Classification: Uncertain significance for RYR1-related disorder. Last evaluated: 2023-11-14. Review status: criteria provided, single submitter. Criteria: Invitae Variant Classification Sherloc (09022015). Collection method: clinical testing. Allele origin: germline.
Comment: This sequence change replaces valine, which is neutral and non-polar, with methionine, which is neutral and non-polar, at codon 4629 of the RYR1 protein (p.Val4629Met). This variant is present in population databases (rs752668333, gnomAD 0.0009%). This missense change has been observed in individual(s) with congenital myopathy (PMID: 21911697, 25214167). ClinVar contains an entry for this variant (Variation ID: 1303160). Advanced modeling of protein sequence and biophysical properties (such as structural, functional, and spatial information, amino acid conservation, physicochemical variation, residue mobility, and thermodynamic stability) has been performed at Invitae for this missense variant, however the output from this modeling did not meet the statistical confidence thresholds required to predict the impact of this variant on RYR1 protein function. In summary, the available evidence is currently insufficient to determine the role of this variant in disease. Therefore, it has been classified as a Variant of Uncertain Significance.

Fulgent Genetics
Classification: Uncertain significance for Central core myopathy; Malignant hyperthermia, susceptibility to, 1; Congenital myopathy 4A, autosomal dominant; Congenital multicore myopathy with external ophthalmoplegia; King Denborough syndrome. Last evaluated: 2021-12-22. Review status: criteria provided, single submitter. Criteria: ACMG Guidelines, 2015. Collection method: clinical testing. Allele origin: unknown.

GeneDx
Classification: Uncertain significance. Last evaluated: 2021-04-15. Review status: criteria provided, single submitter. Criteria: GeneDx Variant Classification Process June 2021. Collection method: clinical testing. Allele origin: germline. Affected: yes.
Comment: Reported previously as heterozygous in an individual with moderate clinical severity and mild facial weakness (Klein et al., 2011); Not observed at a significant frequency in large population cohorts (Lek et al., 2016); In silico analysis supports that this missense variant does not alter protein structure/function; This variant is associated with the following publications: (PMID: 21911697, 25214167)

Literature cited by the submitters: PubMed 21911697 (cited by 3 submitters); PubMed 25214167 (cited by 3 submitters).

NM_000540.3(RYR1):c.13885G>A (p.Val4629Met)

Gene: RYR1 (ryanodine receptor 1; plus strand). Cytogenetic location: 19q13.2.
Variant type: single nucleotide variant.
Coding change: c.13885G>A on transcript NM_000540.3 (MANE Select); coding-DNA position 13885, G replaced by A.
Protein change: p.Val4629Met; replaces valine 4629 with methionine.
Molecular consequence: missense variant.
Genome position (GRCh38, 1-based): chr19:38,572,157, G>A. VCF-style: chr19-38572157-G-A. GRCh37 (hg19) VCF-style: chr19-39062797-G-A.
Other names: c.13870G>A, p.Val4624Met (NM_001042723.2); short protein forms V4624M, V4629M.
Identifiers: ClinVar variation 1303160 (VCV001303160.8), dbSNP rs752668333, ClinGen allele CA060632.